The following is an entry in ClinVar:

NM_182914.3(SYNE2):c.11168T>C (p.Met3723Thr)

Gene: SYNE2 (spectrin repeat containing nuclear envelope protein 2; plus strand). Cytogenetic location: 14q23.2.
Variant type: single nucleotide variant.
Coding change: c.11168T>C on transcript NM_182914.3 (MANE Select); coding-DNA position 11168, T replaced by C.
Protein change: p.Met3723Thr; replaces methionine 3723 with threonine.
Molecular consequence: missense variant.
Genome position (GRCh38, 1-based): chr14:64,080,460, T>C. VCF-style: chr14-64080460-T-C. GRCh37 (hg19) VCF-style: chr14-64547178-T-C.
Other names: c.11168T>C, p.Met3723Thr (NM_015180.6); short protein forms M3723T.
Identifiers: ClinVar variation 2038706 (VCV002038706.4), dbSNP rs567153233, ClinGen allele CA7221726.

ClinVar aggregate classification (germline): Uncertain significance (1 of 4 stars; one submission).

Conditions:
Emery-Dreifuss muscular dystrophy 5, autosomal dominant (EDMD5). Also called: EMERY-DREIFUSS MUSCULAR DYSTROPHY 5. Identifiers: Orphanet 261, MedGen C2751805, MONDO:0013072, OMIM 612999.

Allele frequency attached by ClinVar (database versions not stated): gnomAD exomes below 0.00001; ExAC 0.00001; TOPMed 0.00001; gnomAD 0.00003; 1000 Genomes Project 30x 0.00031; 1000 Genomes Project 0.00040.
gnomAD v4.1: 6 of 1,614,110 alleles (0.00037%); highest among the groups gnomAD compares: Admixed American, 0.01%; no homozygotes.

Submission:

Labcorp Genetics (formerly Invitae), Labcorp
Classification: Uncertain significance for Emery-Dreifuss muscular dystrophy 5, autosomal dominant. Last evaluated: 2022-07-26. Review status: criteria provided, single submitter. Criteria: Invitae Variant Classification Sherloc (09022015). Collection method: clinical testing. Allele origin: germline.
Comment: This sequence change replaces methionine, which is neutral and non-polar, with threonine, which is neutral and polar, at codon 3723 of the SYNE2 protein (p.Met3723Thr). This variant is present in population databases (rs567153233, gnomAD 0.003%). This variant has not been reported in the literature in individuals affected with SYNE2-related conditions. Algorithms developed to predict the effect of missense changes on protein structure and function are either unavailable or do not agree on the potential impact of this missense change (SIFT: "Deleterious"; PolyPhen-2: "Benign"; Align-GVGD: "Class C0"). In summary, the available evidence is currently insufficient to determine the role of this variant in disease. Therefore, it has been classified as a Variant of Uncertain Significance.